The following is an entry in ClinVar:

ClinVar aggregate classification (germline): Pathogenic (1 of 4 stars; one submission).

Conditions:
Cystic fibrosis (CF). Also called: MUCOVISCIDOSIS. Identifiers: Orphanet 586, MedGen C0010674, MONDO:0009061, OMIM 219700. Disease mechanism: loss of function.

Submission:

Labcorp Genetics (formerly Invitae), Labcorp
Classification: Pathogenic for Cystic fibrosis. Last evaluated: 2018-05-17. Review status: criteria provided, single submitter. Criteria: Invitae Variant Classification Sherloc (09022015). Collection method: clinical testing. Allele origin: germline.
Comment: This variant is a gross deletion of the genomic region encompassing exons 2-3 of the CFTR gene. This creates a premature translational stop signal and is expected to result in an absent or disrupted protein product. Loss-of-function variants in CFTR are known to be pathogenic. This particular variant has been reported in the literature in several individuals affected with cystic fibrosis (PMID: 10798353, 23775370, 21228398, 20560922, 18683213, 23974870, 23687349). This variant is also known as CFTRdele2,3, CFTRdel2,3, and deletion of introns 1-3 in the literature. For these reasons, this variant has been classified as Pathogenic.

Literature cited by the submitters: PubMed 10798353; PubMed 23687349; PubMed 23974870; PubMed 20560922; PubMed 23775370; PubMed 18683213; PubMed 21228398.

NC_000007.14:g.(?_117504243)_(117509152_?)del

Genes: CFTR (CF transmembrane conductance regulator; plus strand), LOC113664106 (CFTR intron 2 DNase I hypersensitive site; plus strand). Cytogenetic location: 7q31.2.
Variant type: Deletion.
Identifiers: ClinVar variation 584230 (VCV000584230.1).